The following is an entry in ClinVar:

ClinVar aggregate classification (germline): Conflicting classifications of pathogenicity. Review status: criteria provided, conflicting classifications (1 of 4 stars). 3 submissions from 3 submitters: Likely pathogenic (2); Uncertain significance (1). Last evaluated 2024-01-09.

Conditions:
Auditory neuropathy. Identifiers: MedGen C1852271, MONDO:0021944.
FDXR-related disorder. Also called: FDXR-related condition; FDXR-related disorders.
Auditory neuropathy-optic atrophy syndrome. Also called: AUDITORY NEUROPATHY AND OPTIC ATROPHY; MULTIPLE MITOCHONDRIAL DYSFUNCTIONS SYNDROME 9A. Identifiers: Orphanet 542585, MedGen C4521678, MONDO:0060582, OMIM 617717.

Allele frequency attached by ClinVar (database versions not stated): gnomAD 0.00003; TOPMed 0.00003; ExAC 0.00005; 1000 Genomes Project 30x 0.00016; 1000 Genomes Project 0.00020.
gnomAD v4.1: 57 of 1,614,164 alleles (0.0035%); highest among the groups gnomAD compares: African/African-American, 0.011%; no homozygotes.

Submissions (3):

Blueprint Genetics
Classification: Likely pathogenic for FDXR-related disorders. Last evaluated: 2024-01-09. Review status: criteria provided, single submitter. Criteria: ACMG Guidelines, 2015. Collection method: clinical testing. Allele origin: germline. Affected: yes. Observed: 3 variant alleles.

WangQJ Lab, Chinese People's Liberation Army General Hospital
Classification: Likely pathogenic for Auditory neuropathy. Last evaluated: 2023-12-22. Review status: criteria provided, single submitter. Criteria: Submitter's publication. Collection method: research. Allele origin: germline. Affected: yes. Observed: 1 variant allele.

Victorian Clinical Genetics Services, Murdoch Childrens Research Institute
Classification: Uncertain significance for Auditory neuropathy-optic atrophy syndrome. Last evaluated: 2020-06-11. Review status: criteria provided, single submitter. Criteria: ACMG Guidelines, 2015. Collection method: clinical testing. Allele origin: germline. Inheritance: Autosomal recessive inheritance.
Comment: Based on the classification scheme VCGS_Germline_v1.1.1, this variant is classified as 3B-VUS. Following criteria are met: 0102 - Loss-of-function is a known mechanism of disease for this gene (PMID: 28965846, 29040572). (N) 0106 - This gene is known to be associated with autosomal recessive disease. (N) 0200 - Variant is predicted to result in a missense amino acid change from a threonine to a methionine (exon 7 of 12). (N) 0251 - Variant is heterozygous. (N) 0304 - Variant is present in gnomAD <0.01 for a recessive condition (11 heterozygotes, 0 homozygotes). (P) 0502 - Missense variant with conflicting in silico predictions. (N) 0600 - Variant is located in an annotated domain or motif (FAD/NAD binding domain; PMID: 29040572). (N) 0705 - No comparable variants have previous evidence for pathogenicity. (N) 0807 - Variant has not previously been reported in a clinical context. (N) 0905 - No segregation evidence has been identified for this variant. (N) 1007 - No published functional evidence has been identified for this variant. (N) 1208 - Inheritance information for this variant is not currently available. (N) Legend: (P) - Pathogenic, (N) - Neutral, (B) - Benign

Literature cited by the submitters: PubMed 28965846 (cited by Victorian Clinical Genetics Services, Murdoch Childrens Research Institute); PubMed 29040572 (cited by Victorian Clinical Genetics Services, Murdoch Childrens Research Institute).

NM_024417.5(FDXR):c.623C>T (p.Thr208Met)

Gene: FDXR (ferredoxin reductase; minus strand). Cytogenetic location: 17q25.1.
Variant type: single nucleotide variant.
Coding change: c.623C>T on transcript NM_024417.5 (MANE Select); coding-DNA position 623, C replaced by T.
Protein change: p.Thr208Met; replaces threonine 208 with methionine.
Molecular consequence: missense variant. On other transcripts: non-coding transcript variant (1).
Genome position (GRCh38, 1-based): chr17:74,864,918, G>A on the plus strand (C>T on the coding strand, the complement: FDXR is on the minus strand). VCF-style: chr17-74864918-G-A. GRCh37 (hg19) VCF-style: chr17-72861040-G-A.
Other names: c.752C>T, p.Thr251Met (NM_001258012.4); c.716C>T, p.Thr239Met (NM_001258013.4); c.599C>T, p.Thr200Met (NM_001258014.4); c.503C>T, p.Thr168Met (NM_001258015.3); c.467C>T, p.Thr156Met (NM_001258016.3); c.641C>T, p.Thr214Met (NM_004110.6); c.752C>T (NM_001258012.1); short protein forms T156M, T168M, T200M, T208M, T214M, T239M, T251M.
Identifiers: ClinVar variation 1805721 (VCV001805721.4), dbSNP rs199826370, ClinGen allele CA8753105.